The following is an entry in ClinVar:

NM_001849.4(COL6A2):c.1538C>T (p.Pro513Leu)

Gene: COL6A2 (collagen type VI alpha 2 chain; plus strand). Cytogenetic location: 21q22.3.
Variant type: single nucleotide variant.
Coding change: c.1538C>T on transcript NM_001849.4 (MANE Select); coding-DNA position 1538, C replaced by T.
Protein change: p.Pro513Leu; replaces proline 513 with leucine.
Molecular consequence: missense variant.
Genome position (GRCh38, 1-based): chr21:46,122,124, C>T. VCF-style: chr21-46122124-C-T. GRCh37 (hg19) VCF-style: chr21-47542038-C-T.
Other names: c.1538C>T, p.Pro513Leu (NM_058174.3, NM_058175.3); short protein forms P513L.
Identifiers: ClinVar variation 3389635 (VCV003389635.14).
Genomic context (GRCh38, chr21:46,122,124, plus strand): 5'-CCCCGTCCTATGACCATGCTGACCGACTCAACGTCCTCCTCCAGGGAGACCCCGGCAGGC[C>T]TGGATTCAGCTACCCAGGACCCCGAGGAGCACCCGTGAGTCACAGCCTGGGATGGCAGCT-3'
Protein context (NP_001840.3, residues 503-523): QPGPKGDPGR[Pro513Leu]GFSYPGPRGA

ClinVar aggregate classification (germline): Uncertain significance (1 of 4 stars; one submission).

Submission:

CeGaT Center for Human Genetics Tuebingen
Classification: Uncertain significance. Last evaluated: 2024-09-01. Review status: criteria provided, single submitter. Criteria: CeGaT Center For Human Genetics Tuebingen Variant Classification Criteria Version 2. Collection method: clinical testing. Allele origin: germline. Affected: yes. Observed: 1 variant allele.
Comment: COL6A2: PM2, PP3